The following is an entry in ClinVar:

ClinVar aggregate classification (germline): Uncertain significance (1 of 4 stars; one submission).

Allele frequency attached by ClinVar (database versions not stated): gnomAD exomes 0.00001.
gnomAD v4.1: 5 of 1,594,910 alleles (0.00031%); highest among the groups gnomAD compares: Non-Finnish European, 0.00043%; no homozygotes.

Submission:

Labcorp Genetics (formerly Invitae), Labcorp
Classification: Uncertain significance. Last evaluated: 2024-01-02. Review status: criteria provided, single submitter. Criteria: Invitae Variant Classification Sherloc (09022015). Collection method: clinical testing. Allele origin: germline.
Comment: This sequence change replaces leucine, which is neutral and non-polar, with valine, which is neutral and non-polar, at codon 1408 of the RIMS1 protein (p.Leu1408Val). This variant is not present in population databases (gnomAD no frequency). This variant has not been reported in the literature in individuals affected with RIMS1-related conditions. ClinVar contains an entry for this variant (Variation ID: 850432). An algorithm developed to predict the effect of missense changes on protein structure and function (PolyPhen-2) suggests that this variant is likely to be tolerated. In summary, the available evidence is currently insufficient to determine the role of this variant in disease. Therefore, it has been classified as a Variant of Uncertain Significance.

NM_014989.7(RIMS1):c.4222C>G (p.Leu1408Val)

Gene: RIMS1 (regulating synaptic membrane exocytosis 1; plus strand). Cytogenetic location: 6q13.
Variant type: single nucleotide variant.
Coding change: c.4222C>G on transcript NM_014989.7 (MANE Select); coding-DNA position 4222, C replaced by G.
Protein change: p.Leu1408Val; replaces leucine 1408 with valine.
Molecular consequence: missense variant. On other transcripts: intron variant (24).
Genome position (GRCh38, 1-based): chr6:72,333,691, C>G. VCF-style: chr6-72333691-C-G. GRCh37 (hg19) VCF-style: chr6-73043394-C-G.
Other names: c.2182C>G, p.Leu728Val (NM_001168407.2); c.2143C>G, p.Leu715Val (NM_001350414.2); c.2239C>G, p.Leu747Val (NM_001350415.2); c.2188C>G, p.Leu730Val (NM_001350416.2); c.2161C>G, p.Leu721Val (NM_001350418.2); c.2296C>G, p.Leu766Val (NM_001350420.2); c.2041C>G, p.Leu681Val (NM_001350421.2); c.1930C>G, p.Leu644Val (NM_001350423.2); and 53 more; short protein forms L597V, L638V, L644V, L653V, L675V, L681V, L704V, L708V.
Identifiers: ClinVar variation 850432 (VCV000850432.9), dbSNP rs1248871069, ClinGen allele CA364692836.